The following is an entry in ClinVar:

ClinVar aggregate classification (germline): Uncertain significance (1 of 4 stars; one submission).

Allele frequency attached by ClinVar (database versions not stated): TOPMed below 0.00001; gnomAD exomes 0.00001; ExAC 0.00002; ESP Exome Variant Server 0.00008.

Submission:

Labcorp Genetics (formerly Invitae), Labcorp
Classification: Uncertain significance. Last evaluated: 2022-08-09. Review status: criteria provided, single submitter. Criteria: Invitae Variant Classification Sherloc (09022015). Collection method: clinical testing. Allele origin: germline.
Comment: This sequence change replaces serine, which is neutral and polar, with tyrosine, which is neutral and polar, at codon 1185 of the CCDC88A protein (p.Ser1185Tyr). This variant is present in population databases (rs375993094, gnomAD 0.003%). This variant has not been reported in the literature in individuals affected with CCDC88A-related conditions. ClinVar contains an entry for this variant (Variation ID: 1428558). Algorithms developed to predict the effect of missense changes on protein structure and function are either unavailable or do not agree on the potential impact of this missense change (SIFT: "Deleterious"; PolyPhen-2: "Benign"; Align-GVGD: "Class C0"). In summary, the available evidence is currently insufficient to determine the role of this variant in disease. Therefore, it has been classified as a Variant of Uncertain Significance.

NM_001365480.1(CCDC88A):c.3557C>A (p.Ser1186Tyr)

Gene: CCDC88A (coiled-coil domain containing 88A; minus strand). Cytogenetic location: 2p16.1.
Variant type: single nucleotide variant.
Coding change: c.3557C>A on transcript NM_001365480.1 (MANE Select); coding-DNA position 3557, C replaced by A.
Protein change: p.Ser1186Tyr; replaces serine 1186 with tyrosine.
Molecular consequence: missense variant.
Genome position (GRCh38, 1-based): chr2:55,317,609, G>T on the plus strand (C>A on the coding strand, the complement: CCDC88A is on the minus strand). VCF-style: chr2-55317609-G-T. GRCh37 (hg19) VCF-style: chr2-55544745-G-T.
Other names: c.3554C>A, p.Ser1185Tyr (NM_001135597.2, NM_001254943.2); c.3557C>A, p.Ser1186Tyr (NM_018084.5); short protein forms S1186Y, S1185Y.
Identifiers: ClinVar variation 1428558 (VCV001428558.5), dbSNP rs375993094, ClinGen allele CA1665745.